The following is an entry in ClinVar:

NM_006005.3(WFS1):c.665C>A (p.Ser222Tyr)

Gene: WFS1 (wolframin ER transmembrane glycoprotein; plus strand). Cytogenetic location: 4p16.1.
Variant type: single nucleotide variant.
Coding change: c.665C>A on transcript NM_006005.3 (MANE Select); coding-DNA position 665, C replaced by A.
Protein change: p.Ser222Tyr; replaces serine 222 with tyrosine.
Molecular consequence: missense variant.
Genome position (GRCh38, 1-based): chr4:6,291,950, C>A. VCF-style: chr4-6291950-C-A. GRCh37 (hg19) VCF-style: chr4-6293677-C-A.
Other names: c.665C>A, p.Ser222Tyr (NM_001145853.1); short protein forms S222Y.
Identifiers: ClinVar variation 2061925 (VCV002061925.5), dbSNP rs1730476522, ClinGen allele CA356172263.

ClinVar aggregate classification (germline): Uncertain significance. Review status: criteria provided, multiple submitters, no conflicts (2 of 4 stars). 2 submissions from 2 submitters: Uncertain significance (2). Last evaluated 2024-11-14.

Conditions:
Inborn genetic diseases. Identifiers: MedGen C0950123, MeSH D030342.

Allele frequency attached by ClinVar (database versions not stated): gnomAD exomes below 0.00001; TOPMed below 0.00001.
gnomAD v4.1: 1 of 1,611,396 alleles (0.000062%); highest among the groups gnomAD compares: Non-Finnish European, 0.000085%; no homozygotes.

Submissions (2):

Ambry Genetics
Classification: Uncertain significance for Inborn genetic diseases. Last evaluated: 2024-11-14. Review status: criteria provided, single submitter. Criteria: Ambry Variant Classification Scheme 2023. Collection method: clinical testing. Allele origin: germline.

Labcorp Genetics (formerly Invitae), Labcorp
Classification: Uncertain significance. Last evaluated: 2023-05-15. Review status: criteria provided, single submitter. Criteria: Invitae Variant Classification Sherloc (09022015). Collection method: clinical testing. Allele origin: germline.
Comment: This variant is not present in population databases (gnomAD no frequency). This sequence change replaces serine, which is neutral and polar, with tyrosine, which is neutral and polar, at codon 222 of the WFS1 protein (p.Ser222Tyr). This variant has not been reported in the literature in individuals affected with WFS1-related conditions. ClinVar contains an entry for this variant (Variation ID: 2061925). Advanced modeling of protein sequence and biophysical properties (such as structural, functional, and spatial information, amino acid conservation, physicochemical variation, residue mobility, and thermodynamic stability) performed at Invitae indicates that this missense variant is not expected to disrupt WFS1 protein function. In summary, the available evidence is currently insufficient to determine the role of this variant in disease. Therefore, it has been classified as a Variant of Uncertain Significance.